The following is an entry in ClinVar:

ClinVar aggregate classification (germline): Pathogenic/Likely pathogenic. Review status: criteria provided, multiple submitters, no conflicts (2 of 4 stars). 5 submissions from 5 submitters: Pathogenic (1); Likely pathogenic (4). Last evaluated 2026-09-08.

Conditions:
NF1-related disorder. Also called: NF1-related condition. Identifiers: MedGen CN379171.
Hereditary cancer-predisposing syndrome. Also called: Neoplastic Syndromes, Hereditary; Hereditary Cancer Syndrome; Hereditary neoplastic syndrome; Tumor predisposition. Identifiers: Orphanet 140162, MedGen C0027672, MeSH D009386, MONDO:0015356.
Cardiovascular phenotype. Identifiers: MedGen CN230736.
Neurofibromatosis, type 1 (NF1). Also called: VON RECKLINGHAUSEN DISEASE; Neurofibromatosis, type I; Peripheral type neurofibromatosis; NEUROFIBROMATOSIS, TYPE I, SOMATIC. Identifiers: Orphanet 636, MedGen C0027831, MONDO:0018975, OMIM 162200. Disease mechanism: loss of function.

Submissions (5):

Ambry Genetics
Classification: Likely pathogenic for Cardiovascular phenotype; Hereditary cancer-predisposing syndrome. Last evaluated: 2026-09-08. Review status: criteria provided, single submitter. Criteria: Ambry Variant Classification Scheme 2023. Collection method: clinical testing. Allele origin: germline.
Comment: The c.60+1G>C intronic variant results from a G to C substitution one nucleotide after coding exon 1 of the NF1 gene. This variant was reported in individual(s) with features consistent with Neurofibromatosis type 1 (Griffiths S et al. Fam Cancer, 2007;6:21-34; Ambry internal data). This nucleotide position is highly conserved in available vertebrate species. In silico splice site analysis predicts that this alteration will weaken the native splice donor site and may result in the creation or strengthening of a novel splice donor site; however, direct evidence is insufficient at this time (Ambry internal data). Alterations that disrupt the canonical splice site are expected to cause aberrant splicing, resulting in an abnormal protein or a transcript that is subject to nonsense-mediated mRNA decay. As such, this alteration is classified as likely pathogenic.

Labcorp Genetics (formerly Invitae), Labcorp
Classification: Pathogenic for Neurofibromatosis, type 1. Last evaluated: 2025-10-11. Review status: criteria provided, single submitter. Criteria: Invitae Variant Classification Sherloc (09022015). Collection method: clinical testing. Allele origin: germline.
Comment: This sequence change affects a donor splice site in intron 1 of the NF1 gene. It is expected to disrupt RNA splicing. Variants that disrupt the donor or acceptor splice site typically lead to a loss of protein function (PMID: 16199547), and loss-of-function variants in NF1 are known to be pathogenic (PMID: 10712197, 23913538). This variant is not present in population databases (gnomAD no frequency). Disruption of this splice site has been observed in individual(s) with clinical features of neurofibromatosis type 1 (PMID: 16944272, 31766501). Invitae Evidence Modeling of clinical and family history, age, sex, and reported ancestry of multiple individuals with this NF1 variant has been performed. This variant is expected to be pathogenic with a positive predictive value of at least 99%. This is a validated machine learning model that incorporates the clinical features of 1,785,918 individuals referred to our laboratory for NF1 testing. ClinVar contains an entry for this variant (Variation ID: 663201). Algorithms developed to predict the effect of sequence changes on RNA splicing suggest that this variant may disrupt the consensus splice site. For these reasons, this variant has been classified as Pathogenic.

Genome-Nilou Lab
Classification: Likely pathogenic for Neurofibromatosis, type 1. Last evaluated: 2022-03-15. Review status: criteria provided, single submitter. Criteria: ACMG Guidelines, 2015. Collection method: clinical testing. Allele origin: germline. Affected: no.

Genome Diagnostics Laboratory, The Hospital for Sick Children
Classification: Likely pathogenic for Neurofibromatosis, type 1. Last evaluated: 2020-10-26. Review status: criteria provided, single submitter. Criteria: ACMG Guidelines, 2015. Collection method: clinical testing. Allele origin: germline. Affected: yes.

Blueprint Genetics
Classification: Likely pathogenic for NF1-related disorders. Last evaluated: 2018-10-29. Review status: criteria provided, single submitter. Criteria: ACMG Guidelines, 2015. Collection method: clinical testing. Allele origin: germline. Affected: yes. Observed: 1 variant allele.

Literature cited by the submitters: PubMed 16944272 (cited by Ambry Genetics and Labcorp Genetics (formerly Invitae), Labcorp); PubMed 16199547 (cited by Labcorp Genetics (formerly Invitae), Labcorp); PubMed 10712197 (cited by Labcorp Genetics (formerly Invitae), Labcorp); PubMed 23913538 (cited by Labcorp Genetics (formerly Invitae), Labcorp); PubMed 31766501 (cited by Labcorp Genetics (formerly Invitae), Labcorp).

NM_001042492.3(NF1):c.60+1G>C

Genes: MIR4733HG (MIR4733 host gene; minus strand), NF1 (neurofibromin 1; plus strand), LOC111811965 (NF1 (neurofibromin 1) promoter region; plus strand). Cytogenetic location: 17q11.2.
Variant type: single nucleotide variant.
Coding change: c.60+1G>C on transcript NM_001042492.3 (MANE Select); the canonical splice donor site of the intron after coding-DNA position 60, G replaced by C.
Molecular consequence: splice donor variant. On other transcripts: non-coding transcript variant (1).
Genome position (GRCh38, 1-based): chr17:31,095,370, G>C. VCF-style: chr17-31095370-G-C. GRCh37 (hg19) VCF-style: chr17-29422388-G-C.
Other names: c.60+1G>C (NM_000267.4, NM_001128147.3).
Identifiers: ClinVar variation 663201 (VCV000663201.12), dbSNP rs1555594500, ClinGen allele CA398979446.